The following is an entry in ClinVar:

NM_017662.5(TRPM6):c.2842T>C (p.Phe948Leu)

Gene: TRPM6 (transient receptor potential cation channel subfamily M member 6; minus strand). Cytogenetic location: 9q21.13.
Variant type: single nucleotide variant.
Coding change: c.2842T>C on transcript NM_017662.5 (MANE Select); coding-DNA position 2842, T replaced by C.
Protein change: p.Phe948Leu; replaces phenylalanine 948 with leucine.
Molecular consequence: missense variant.
Genome position (GRCh38, 1-based): chr9:74,785,951, A>G on the plus strand (T>C on the coding strand, the complement: TRPM6 is on the minus strand). VCF-style: chr9-74785951-A-G. GRCh37 (hg19) VCF-style: chr9-77400867-A-G.
Other names: c.2827T>C, p.Phe943Leu (NM_001177310.2, NM_001177311.2); short protein forms F943L, F948L.
Identifiers: ClinVar variation 1310998 (VCV001310998.5), dbSNP rs776815422, ClinGen allele CA5084436.

ClinVar aggregate classification (germline): Uncertain significance. Review status: criteria provided, multiple submitters, no conflicts (2 of 4 stars). 2 submissions from 2 submitters: Uncertain significance (2). Last evaluated 2026-02-04.

Conditions:
Inborn genetic diseases. Identifiers: MedGen C0950123, MeSH D030342.

Allele frequency attached by ClinVar (database versions not stated): gnomAD 0.00001; ExAC 0.00006; gnomAD exomes 0.00007 and 0.00015; TOPMed 0.00009.
gnomAD v4.1: 43 of 1,614,140 alleles (0.0027%); highest among the groups gnomAD compares: Admixed American, 0.065%; no homozygotes.

Submissions (2):

Ambry Genetics
Classification: Uncertain significance for Inborn genetic diseases. Last evaluated: 2026-02-04. Review status: criteria provided, single submitter. Criteria: Ambry Variant Classification Scheme 2023. Collection method: clinical testing. Allele origin: germline.
Comment: The c.2842T>C (p.F948L) alteration is located in exon 21 (coding exon 21) of the TRPM6 gene. This alteration results from a T to C substitution at nucleotide position 2842, causing the phenylalanine (F) at amino acid position 948 to be replaced by a leucine (L). Based on data from gnomAD, the C allele has an overall frequency of 0.015% (38/251444) total alleles studied. The highest observed frequency was 0.11% (38/34592) of Latino alleles. This alteration is predicted to be deleterious by in silico analysis. Based on insufficient or conflicting evidence, the clinical significance of this alteration remains unclear.

GeneDx
Classification: Uncertain significance. Last evaluated: 2025-04-29. Review status: criteria provided, single submitter. Criteria: GeneDx Variant Classification Process June 2021. Collection method: clinical testing. Allele origin: germline. Affected: yes.
Comment: In silico analysis supports that this missense variant has a deleterious effect on protein structure/function; Has not been previously published as pathogenic or benign to our knowledge